The following is an entry in ClinVar:

ClinVar aggregate classification (germline): Likely pathogenic (1 of 4 stars; one submission).

Conditions:
Oculocutaneous albinism type 1A (OCA1A). Also called: Albinism, oculocutaneous, type IA. Identifiers: Orphanet 352731, Orphanet 79431, MedGen C4551504, MONDO:0008745, OMIM 203100. Disease mechanism: loss of function.
Oculocutaneous albinism type 1B (OCA1B). Also called: YELLOW ALBINISM; ALBINISM, OCULOCUTANEOUS, TYPE IB; ALBINISM, YELLOW MUTANT TYPE. Identifiers: Orphanet 352731, Orphanet 352737, Orphanet 79434, MedGen C1847024, MONDO:0011749, OMIM 606952.

Submission:

Juno Genomics, Hangzhou Juno Genomics, Inc
Classification: Likely pathogenic for Oculocutaneous albinism type 1A; Oculocutaneous albinism type 1B. Review status: criteria provided, single submitter. Criteria: ACMG Guidelines, 2015. Collection method: clinical testing. Allele origin: germline. Affected: yes.
Comment: Absent from controls (or at extremely low frequency if recessive) in Genome Aggregation Database, Exome Sequencing Project, 1000 Genomes Project, or Exome Aggregation Consortium.;Multiple lines of computational evidence support a deleterious effect on the gene or gene product (conservation, evolutionary, splicing impact, etc).;For recessive disorders, detected in trans with a pathogenic variant.;Patient's phenotype or family history is highly specific for a disease with a single genetic etiology.

NM_000372.5(TYR):c.605A>T (p.His202Leu)

Gene: TYR (tyrosinase; plus strand). Cytogenetic location: 11q14.3.
Variant type: single nucleotide variant.
Coding change: c.605A>T on transcript NM_000372.5 (MANE Select); coding-DNA position 605, A replaced by T.
Protein change: p.His202Leu; replaces histidine 202 with leucine.
Molecular consequence: missense variant.
Genome position (GRCh38, 1-based): chr11:89,178,558, A>T. VCF-style: chr11-89178558-A-T. GRCh37 (hg19) VCF-style: chr11-88911726-A-T.
Other names: short protein forms H202L.
Identifiers: ClinVar variation 4531291 (VCV004531291.1).